The following is an entry in ClinVar:

ClinVar aggregate classification (germline): Uncertain significance (1 of 4 stars; one submission).

Allele frequency attached by ClinVar (database versions not stated): TOPMed below 0.00001; gnomAD 0.00001; gnomAD exomes 0.00001; ExAC 0.00002.
gnomAD v4.1: 17 of 1,613,730 alleles (0.0011%); highest among the groups gnomAD compares: East Asian, 0.0022%; no homozygotes.

Submission:

Labcorp Genetics (formerly Invitae), Labcorp
Classification: Uncertain significance. Last evaluated: 2021-06-28. Review status: criteria provided, single submitter. Criteria: Invitae Variant Classification Sherloc (09022015). Collection method: clinical testing. Allele origin: germline.
Comment: In summary, the available evidence is currently insufficient to determine the role of this variant in disease. Therefore, it has been classified as a Variant of Uncertain Significance. Algorithms developed to predict the effect of missense changes on protein structure and function are either unavailable or do not agree on the potential impact of this missense change (SIFT: "Tolerated"; PolyPhen-2: "Possibly Damaging"; Align-GVGD: "Class C0"). This variant has not been reported in the literature in individuals affected with SLC25A12-related conditions. This variant is present in population databases (rs748532988, ExAC 0.006%). This sequence change replaces serine with leucine at codon 224 of the SLC25A12 protein (p.Ser224Leu). The serine residue is moderately conserved and there is a large physicochemical difference between serine and leucine.

NM_003705.5(SLC25A12):c.671C>T (p.Ser224Leu)

Gene: SLC25A12 (solute carrier family 25 member 12; minus strand). Cytogenetic location: 2q31.1.
Variant type: single nucleotide variant.
Coding change: c.671C>T on transcript NM_003705.5 (MANE Select); coding-DNA position 671, C replaced by T.
Protein change: p.Ser224Leu; replaces serine 224 with leucine.
Molecular consequence: missense variant. On other transcripts: non-coding transcript variant (1).
Genome position (GRCh38, 1-based): chr2:171,834,807, G>A on the plus strand (C>T on the coding strand, the complement: SLC25A12 is on the minus strand). VCF-style: chr2-171834807-G-A. GRCh37 (hg19) VCF-style: chr2-172691317-G-A.
Other names: short protein forms S224L.
Identifiers: ClinVar variation 1448641 (VCV001448641.6), dbSNP rs748532988, ClinGen allele CA1966337.
Genomic context (GRCh38, chr2:171,834,807, plus strand): 5'-TTCCTTGTGCCAGCTAGAGTGCTATATATCTTACGAACAAGCTCCATGTTATTCAGTAAC[G>A]AGTTAAATGCATTGAAGTAGGAGAAGCTAACCTGGTGTGAGATACTTCCTCCAGCTGCCT-3'
Protein context (NP_003696.2, residues 214-234): VSFSYFNAFN[Ser224Leu]LLNNMELVRK